The following is an entry in ClinVar:

NM_004958.4(MTOR):c.4731_4732delinsAG (p.Met1578Val)

Genes: MTOR (mechanistic target of rapamycin kinase; minus strand), MTOR-AS1 (MTOR antisense RNA 1; plus strand). Cytogenetic location: 1p36.22.
Variant type: Indel.
Coding change: c.4731_4732delinsAG on transcript NM_004958.4 (MANE Select); coding-DNA positions 4731 to 4732, GA replaced by AG.
Protein change: p.Met1578Val; replaces methionine 1578 with valine.
Molecular consequence: missense variant.
Genome position (GRCh38, 1-based): chr1:11,145,000-11,145,001, TC replaced by CT on the plus strand (GA replaced by AG on the coding strand, the reverse complement: MTOR is on the minus strand). VCF-style: chr1-11145000-TC-CT. GRCh37 (hg19) VCF-style: chr1-11205057-TC-CT.
Other names: c.4731_4732delinsAG, p.Met1578Val (NM_001386500.1); c.3483_3484delinsAG, p.Met1162Val (NM_001386501.1); short protein forms M1578V, M1162V.
Identifiers: ClinVar variation 1371884 (VCV001371884.7), dbSNP rs2100509908, ClinGen allele CA2573130819.
Genomic context (GRCh38, chr1:11,145,000, plus strand): 5'-GACAATGTGCAGAATAGTTGACACTTACCCCATATGCCCGACTGTAACTCTCTCCTGCCA[TC>CT]GCAGTTAATTCAGCATCCAGCAGGTCCCTGGCCTTGTCAATGCACTAGAAGAGAAACAAC-3'
Protein context (NP_004949.1, residues 1568-1588): RDLLDAELTA[Met1578Val]AGESYSRAYG

ClinVar aggregate classification (germline): Uncertain significance. Review status: criteria provided, multiple submitters, no conflicts (2 of 4 stars). 2 submissions from 2 submitters: Uncertain significance (2). Last evaluated 2024-05-02.

Submissions (2):

Women's Health and Genetics/Laboratory Corporation of America, LabCorp
Classification: Uncertain significance. Last evaluated: 2024-05-02. Review status: criteria provided, single submitter. Criteria: LabCorp Variant Classification Summary - May 2015. Collection method: clinical testing. Allele origin: germline.
Comment: Variant summary: MTOR c.4731_4732delinsAG (p.Met1578Val) results in a conservative amino acid change located in the PIK-related kinase, FAT (IPR003151) of the encoded protein sequence. Three of five in-silico tools predict a benign effect of the variant on protein function. The variant was absent in 251420 control chromosomes. The available data on variant occurrences in the general population are insufficient to allow any conclusion about variant significance. To our knowledge, no occurrence of c.4731_4732delinsAG in individuals affected with Smith-Kingsmore Syndrome and no experimental evidence demonstrating its impact on protein function have been reported. ClinVar contains an entry for this variant (Variation ID: 1371884). Based on the evidence outlined above, the variant was classified as uncertain significance.

Labcorp Genetics (formerly Invitae), Labcorp
Classification: Uncertain significance. Last evaluated: 2023-02-28. Review status: criteria provided, single submitter. Criteria: Invitae Variant Classification Sherloc (09022015). Collection method: clinical testing. Allele origin: germline.
Comment: In summary, the available evidence is currently insufficient to determine the role of this variant in disease. Therefore, it has been classified as a Variant of Uncertain Significance. Experimental studies and prediction algorithms are not available or were not evaluated, and the functional significance of this variant is currently unknown. ClinVar contains an entry for this variant (Variation ID: 1371884). This missense change has been observed in individual(s) with autism spectrum disorder (PMID: 25363768). Information on the frequency of this variant in the gnomAD database is not available, as this variant may be reported differently in the database. This sequence change replaces methionine, which is neutral and non-polar, with valine, which is neutral and non-polar, at codon 1578 of the MTOR protein (p.Met1578Val).

Literature cited by the submitters: PubMed 25363768 (cited by Labcorp Genetics (formerly Invitae), Labcorp).